The following is an entry in ClinVar:

ClinVar aggregate classification (germline): Uncertain significance. Review status: criteria provided, multiple submitters, no conflicts (2 of 4 stars). 3 submissions from 3 submitters: Uncertain significance (3). Last evaluated 2025-11-05.

Conditions:
Hereditary cancer-predisposing syndrome. Also called: Hereditary Cancer Syndrome; Hereditary neoplastic syndrome; Tumor predisposition; Neoplastic Syndromes, Hereditary. Identifiers: Orphanet 140162, MedGen C0027672, MeSH D009386, MONDO:0015356.
Multiple endocrine neoplasia type 4. Also called: MULTIPLE ENDOCRINE NEOPLASIA, TYPE IV. Identifiers: Orphanet 276152, MedGen C1970712, MONDO:0012552, OMIM 610755.

Submissions (3):

Quest Diagnostics Nichols Institute San Juan Capistrano
Classification: Uncertain significance. Last evaluated: 2025-11-05. Review status: criteria provided, single submitter. Criteria: Quest Diagnostics criteria. Collection method: clinical testing. Allele origin: unknown.
Comment: The CDKN1B c.548C>T (p.Ser183Phe) variant has not been reported in individuals with CDKN1B-related conditions in the published literature. This variant has not been reported in large, multi-ethnic general populations (Genome Aggregation Database). Analysis of this variant using bioinformatics tools for the prediction of the effect of amino acid changes on protein structure and function yielded conflicting predictions that this variant is benign or damaging. Based on the available information, we are unable to determine the clinical significance of this variant.

Ambry Genetics
Classification: Uncertain significance for Hereditary cancer-predisposing syndrome. Last evaluated: 2023-06-12. Review status: criteria provided, single submitter. Criteria: Ambry Variant Classification Scheme 2023. Collection method: clinical testing. Allele origin: germline.
Comment: The p.S183F variant (also known as c.548C>T), located in coding exon 2 of the CDKN1B gene, results from a C to T substitution at nucleotide position 548. The serine at codon 183 is replaced by phenylalanine, an amino acid with highly dissimilar properties. This amino acid position is well conserved in available vertebrate species. In addition, this alteration is predicted to be tolerated by in silico analysis. Since supporting evidence is limited at this time, the clinical significance of this alteration remains unclear.

Labcorp Genetics (formerly Invitae), Labcorp
Classification: Uncertain significance for Multiple endocrine neoplasia type 4. Last evaluated: 2021-06-06. Review status: criteria provided, single submitter. Criteria: Invitae Variant Classification Sherloc (09022015). Collection method: clinical testing. Allele origin: germline.
Comment: This variant has not been reported in the literature in individuals with CDKN1B-related conditions. This variant is not present in population databases (ExAC no frequency). This sequence change replaces serine with phenylalanine at codon 183 of the CDKN1B protein (p.Ser183Phe). The serine residue is moderately conserved and there is a large physicochemical difference between serine and phenylalanine. Algorithms developed to predict the effect of missense changes on protein structure and function are either unavailable or do not agree on the potential impact of this missense change (SIFT: "Deleterious"; PolyPhen-2: "Possibly Damaging"; Align-GVGD: "Class C0"). In summary, the available evidence is currently insufficient to determine the role of this variant in disease. Therefore, it has been classified as a Variant of Uncertain Significance.

NM_004064.5(CDKN1B):c.548C>T (p.Ser183Phe)

Gene: CDKN1B (cyclin dependent kinase inhibitor 1B; plus strand). Cytogenetic location: 12p13.1.
Variant type: single nucleotide variant.
Coding change: c.548C>T on transcript NM_004064.5 (MANE Select); coding-DNA position 548, C replaced by T.
Protein change: p.Ser183Phe; replaces serine 183 with phenylalanine.
Molecular consequence: missense variant.
Genome position (GRCh38, 1-based): chr12:12,718,897, C>T. VCF-style: chr12-12718897-C-T. GRCh37 (hg19) VCF-style: chr12-12871831-C-T.
Other names: c.548C>T (NM_004064.3, NM_004064.4); short protein forms S183F.
Identifiers: ClinVar variation 1359609 (VCV001359609.10), dbSNP rs748924503, ClinGen allele CA383973070.